The following is an entry in ClinVar:

NM_003235.5(TG):c.1190C>A (p.Ala397Asp)

Gene: TG (thyroglobulin; plus strand). Cytogenetic location: 8q24.22.
Variant type: single nucleotide variant.
Coding change: c.1190C>A on transcript NM_003235.5 (MANE Select); coding-DNA position 1190, C replaced by A.
Protein change: p.Ala397Asp; replaces alanine 397 with aspartic acid.
Molecular consequence: missense variant.
Genome position (GRCh38, 1-based): chr8:132,886,562, C>A. VCF-style: chr8-132886562-C-A. GRCh37 (hg19) VCF-style: chr8-133898807-C-A.
Other names: short protein forms A397D.
Identifiers: ClinVar variation 4683068 (VCV004683068.1).

ClinVar aggregate classification (germline): Uncertain significance (1 of 4 stars; one submission).

Conditions:
Congenital hypothyroidism. Identifiers: Orphanet 442, MedGen C0010308, MONDO:0018612, HP:0000851.

gnomAD v4.1: 13 of 1,614,220 alleles (0.00081%); highest among the groups gnomAD compares: Non-Finnish European, 0.0011%; no homozygotes.

Submission:

Cambridge Genomics Laboratory, East Genomic Laboratory Hub, NHS Genomic Medicine Service
Classification: Uncertain significance for Congenital hypothyroidism. Last evaluated: 2025-02-27. Review status: criteria provided, single submitter. Criteria: ACGS Best Practice Guidelines for Variant Classification in Rare Disease 2020. Collection method: clinical testing. Allele origin: germline. Affected: yes.
Comment: PM2,BP4